The following is an entry in ClinVar:

NM_175875.5(SIX5):c.210C>G (p.Pro70=)

Genes: DM1-AS (DM1 locus antisense RNA; plus strand), SIX5 (SIX homeobox 5; minus strand), LOC107075317 (origin of replication in DMPK trinucleotide repeat region; plus strand), LOC129929037 (ATAC-STARR-seq lymphoblastoid silent region 10794; plus strand). Cytogenetic location: 19q13.32.
Variant type: single nucleotide variant.
Coding change: c.210C>G on transcript NM_175875.5 (MANE Select); coding-DNA position 210, C replaced by G.
Protein change: p.Pro70=; no amino-acid change (proline 70 retained).
Molecular consequence: synonymous variant.
Genome position (GRCh38, 1-based): chr19:45,768,635, G>C on the plus strand (C>G on the coding strand, the complement: SIX5 is on the minus strand). VCF-style: chr19-45768635-G-C. GRCh37 (hg19) VCF-style: chr19-46271893-G-C.
Identifiers: ClinVar variation 3239192 (VCV003239192.19), dbSNP rs1468966520.

ClinVar aggregate classification (germline): Likely benign (1 of 4 stars; one submission).

Submission:

CeGaT Center for Human Genetics Tuebingen
Classification: Likely benign. Last evaluated: 2024-05-01. Review status: criteria provided, single submitter. Criteria: CeGaT Center For Human Genetics Tuebingen Variant Classification Criteria Version 2. Collection method: clinical testing. Allele origin: germline. Affected: yes. Observed: 1 variant allele.
Comment: SIX5: PM2:Supporting, BP4, BP7